The following is an entry in ClinVar:

ClinVar aggregate classification (germline): Benign/Likely benign. Review status: criteria provided, multiple submitters, no conflicts (2 of 4 stars). 11 submissions from 11 submitters: Benign (6); Likely benign (5). Last evaluated 2026-08-01.

Conditions:
Inborn genetic diseases. Identifiers: MedGen C0950123, MeSH D030342.
Developmental and epileptic encephalopathy, 18 (DEE18). Also called: Early infantile epileptic encephalopathy 18. Identifiers: Orphanet 369894, MedGen C3809624, MONDO:0014201, OMIM 615476.

Allele frequency attached by ClinVar (database versions not stated): 1000 Genomes Project 30x 0.00109; 1000 Genomes Project 0.00120; TOPMed 0.00437; ESP Exome Variant Server 0.00461; gnomAD 0.00596.
gnomAD v4.1: 10,120 of 1,614,064 alleles (0.63%); highest among the groups gnomAD compares: Non-Finnish European, 0.72%; 54 homozygotes.

Submissions (11):

CeGaT Center for Human Genetics Tuebingen
Classification: Likely benign. Last evaluated: 2026-08-01. Review status: criteria provided, single submitter. Criteria: CeGaT Center For Human Genetics Tuebingen Variant Classification Criteria Version 2. Collection method: clinical testing. Allele origin: germline. Affected: yes. Observed: 29 variant alleles.
Comment: SZT2: BP4, BP7, BS2

Labcorp Genetics (formerly Invitae), Labcorp
Classification: Benign. Last evaluated: 2026-02-03. Review status: criteria provided, single submitter. Criteria: Invitae Variant Classification Sherloc (09022015). Collection method: clinical testing. Allele origin: germline.

ARUP Laboratories, Molecular Genetics and Genomics, ARUP Laboratories
Classification: Benign for Developmental and epileptic encephalopathy, 18. Last evaluated: 2025-07-01. Review status: criteria provided, single submitter. Criteria: ARUP Molecular Germline Variant Investigation Process 2024. Collection method: clinical testing. Allele origin: germline.

Blueprint Genetics
Classification: Likely benign. Last evaluated: 2024-11-20. Review status: criteria provided, single submitter. Criteria: ACMG Guidelines, 2015. Collection method: clinical testing. Allele origin: germline.

Genome-Nilou Lab
Classification: Benign for Developmental and epileptic encephalopathy, 18. Last evaluated: 2023-04-11. Review status: criteria provided, single submitter. Criteria: ACMG Guidelines, 2015. Collection method: clinical testing. Allele origin: germline. Affected: no.

Mayo Clinic Laboratories, Mayo Clinic
Classification: Benign. Last evaluated: 2022-12-07. Review status: criteria provided, single submitter. Criteria: ACMG Guidelines, 2015. Collection method: clinical testing. Allele origin: germline. Observed: 5 variant alleles.

Athena Diagnostics
Classification: Benign. Last evaluated: 2020-07-16. Review status: criteria provided, single submitter. Criteria: Athena Diagnostics Criteria. Collection method: clinical testing. Allele origin: unknown.

GeneDx
Classification: Benign. Last evaluated: 2018-09-10. Review status: criteria provided, single submitter. Criteria: GeneDx Variant Classification Process June 2021. Collection method: clinical testing. Allele origin: germline. Affected: yes.

Ambry Genetics
Classification: Likely benign for Inborn genetic diseases. Last evaluated: 2016-04-15. Review status: criteria provided, single submitter. Criteria: Ambry Variant Classification Scheme 2023. Collection method: clinical testing. Allele origin: germline.

Breakthrough Genomics
Classification: Likely benign. Review status: criteria provided, single submitter. Criteria: ACMG Guidelines, 2015. Collection method: not provided. Allele origin: germline. Inheritance: Autosomal recessive inheritance. Affected: yes.

PreventionGenetics, part of Exact Sciences
Classification: Likely benign. Review status: criteria provided, single submitter. Criteria: ACMG Guidelines, 2015. Collection method: clinical testing. Allele origin: germline.

NM_001365999.1(SZT2):c.6543A>G (p.Leu2181=)

Gene: SZT2 (SZT2 subunit of KICSTOR complex; plus strand). Cytogenetic location: 1p34.2.
Variant type: single nucleotide variant.
Coding change: c.6543A>G on transcript NM_001365999.1 (MANE Select); coding-DNA position 6543, A replaced by G.
Protein change: p.Leu2181=; no amino-acid change (leucine 2181 retained).
Molecular consequence: synonymous variant.
Genome position (GRCh38, 1-based): chr1:43,438,733, A>G. VCF-style: chr1-43438733-A-G. GRCh37 (hg19) VCF-style: chr1-43904404-A-G.
Other names: p.Leu2124=; c.6372A>G, p.Leu2124= (NM_015284.4).
Identifiers: ClinVar variation 260621 (VCV000260621.55), dbSNP rs112461557, ClinGen allele CA809942.